The following is an entry in ClinVar:

NM_001807.6(CEL):c.2134G>A (p.Ala712Thr)

Gene: CEL (carboxyl ester lipase; plus strand). Cytogenetic location: 9q34.13.
Variant type: single nucleotide variant.
Coding change: c.2134G>A on transcript NM_001807.6 (MANE Select); coding-DNA position 2134, G replaced by A.
Protein change: p.Ala712Thr; replaces alanine 712 with threonine.
Molecular consequence: missense variant.
Genome position (GRCh38, 1-based): chr9:133,071,636, G>A. VCF-style: chr9-133071636-G-A. GRCh37 (hg19) VCF-style: chr9-135947023-G-A.
Other names: short protein forms A712T.
Identifiers: ClinVar variation 218597 (VCV000218597.29), dbSNP rs75294797, ClinGen allele CA248908.

ClinVar aggregate classification (germline): Benign/Likely benign. Review status: criteria provided, multiple submitters, no conflicts (2 of 4 stars). 4 submissions from 4 submitters: Benign (2); Likely benign (2). Last evaluated 2023-01-01.

Allele frequency attached by ClinVar (database versions not stated): ESP Exome Variant Server 0.00594; 1000 Genomes Project 0.00998; gnomAD 0.01281.
gnomAD v4.1: 2,899 of 1,341,846 alleles (0.22%); highest among the groups gnomAD compares: African/African-American, 2.9%; 80 homozygotes.

Submissions (4):

CeGaT Center for Human Genetics Tuebingen
Classification: Benign. Last evaluated: 2023-01-01. Review status: criteria provided, single submitter. Criteria: CeGaT Center For Human Genetics Tuebingen Variant Classification Criteria Version 2. Collection method: clinical testing. Allele origin: germline. Affected: yes. Observed: 1 variant allele.
Comment: CEL: BS1, BS2

GeneDx
Classification: Likely benign. Last evaluated: 2018-07-05. Review status: criteria provided, single submitter. Criteria: GeneDx Variant Classification Process June 2021. Collection method: clinical testing. Allele origin: germline. Affected: yes.

Genomic Diagnostic Laboratory, Division of Genomic Diagnostics, Children's Hospital of Philadelphia
Classification: Benign. Last evaluated: 2015-07-09. Review status: criteria provided, single submitter. Criteria: DGD Variant Analysis Guidelines. Collection method: clinical testing. Allele origin: unknown.

Breakthrough Genomics
Classification: Likely benign. Review status: criteria provided, single submitter. Criteria: ACMG Guidelines, 2015. Collection method: not provided. Allele origin: germline. Inheritance: Autosomal dominant inheritance. Affected: yes.